The following is an entry in ClinVar:

ClinVar aggregate classification (germline): Uncertain significance (1 of 4 stars; one submission).

Allele frequency attached by ClinVar (database versions not stated): gnomAD exomes below 0.00001; ExAC 0.00001.
gnomAD v4.1: 2 of 1,613,954 alleles (0.00012%); highest among the groups gnomAD compares: Admixed American, 0.0033%; no homozygotes.

Submission:

Labcorp Genetics (formerly Invitae), Labcorp
Classification: Uncertain significance. Last evaluated: 2024-01-08. Review status: criteria provided, single submitter. Criteria: Invitae Variant Classification Sherloc (09022015). Collection method: clinical testing. Allele origin: germline.
Comment: This sequence change replaces glycine, which is neutral and non-polar, with valine, which is neutral and non-polar, at codon 1042 of the SCN3A protein (p.Gly1042Val). This variant is present in population databases (rs747148406, gnomAD 0.003%). This variant has not been reported in the literature in individuals affected with SCN3A-related conditions. ClinVar contains an entry for this variant (Variation ID: 1525022). Advanced modeling of protein sequence and biophysical properties (such as structural, functional, and spatial information, amino acid conservation, physicochemical variation, residue mobility, and thermodynamic stability) performed at Invitae indicates that this missense variant is not expected to disrupt SCN3A protein function with a negative predictive value of 95%. In summary, the available evidence is currently insufficient to determine the role of this variant in disease. Therefore, it has been classified as a Variant of Uncertain Significance.

NM_006922.4(SCN3A):c.3125G>T (p.Gly1042Val)

Gene: SCN3A (sodium voltage-gated channel alpha subunit 3; minus strand). Cytogenetic location: 2q24.3.
Variant type: single nucleotide variant.
Coding change: c.3125G>T on transcript NM_006922.4 (MANE Select); coding-DNA position 3125, G replaced by T.
Protein change: p.Gly1042Val; replaces glycine 1042 with valine.
Molecular consequence: missense variant.
Genome position (GRCh38, 1-based): chr2:165,127,899, C>A on the plus strand (G>T on the coding strand, the complement: SCN3A is on the minus strand). VCF-style: chr2-165127899-C-A. GRCh37 (hg19) VCF-style: chr2-165984409-C-A.
Other names: c.2978G>T, p.Gly993Val (NM_001081676.2, NM_001081677.2); short protein forms G993V, G1042V.
Identifiers: ClinVar variation 1525022 (VCV001525022.8), dbSNP rs747148406, ClinGen allele CA1938851.